The following is an entry in ClinVar:

NM_170743.4(IFNLR1):c.912G>A (p.Pro304=)

Gene: IFNLR1 (interferon lambda receptor 1; minus strand). Cytogenetic location: 1p36.11.
Variant type: single nucleotide variant.
Coding change: c.912G>A on transcript NM_170743.4 (MANE Select); coding-DNA position 912, G replaced by A.
Protein change: p.Pro304=; no amino-acid change (proline 304 retained).
Molecular consequence: synonymous variant. On other transcripts: 3 prime UTR variant (1).
Genome position (GRCh38, 1-based): chr1:24,157,781, C>T on the plus strand (G>A on the coding strand, the complement: IFNLR1 is on the minus strand). VCF-style: chr1-24157781-C-T. GRCh37 (hg19) VCF-style: chr1-24484271-C-T.
Other names: c.825G>A, p.Pro275= (NM_173064.3); c.*46G>A (NM_173065.3).
Identifiers: ClinVar variation 4977014 (VCV004977014.1).

ClinVar aggregate classification (germline): Likely benign (1 of 4 stars; one submission).

Conditions:
IFNLR1-related disorder. Also called: IFNLR1-related condition.

gnomAD v4.1: 55 of 1,614,186 alleles (0.0034%); highest among the groups gnomAD compares: Admixed American, 0.018%; no homozygotes.

Submission:

PreventionGenetics, part of Exact Sciences
Classification: Likely benign for IFNLR1-related condition. Last evaluated: 2026-08-27. Review status: criteria provided, single submitter. Criteria: ACMG Guidelines, 2015. Collection method: clinical testing. Allele origin: germline.
Comment: This variant is classified as likely benign based on ACMG/AMP sequence variant interpretation guidelines (Richards et al. 2015 PMID: 25741868, with internal and published modifications).